The following is an entry in ClinVar:

NM_207391.3(RGS9BP):c.649T>C (p.Phe217Leu)

Gene: RGS9BP (regulator of G protein signaling 9 binding protein; plus strand). Cytogenetic location: 19q13.11.
Variant type: single nucleotide variant.
Coding change: c.649T>C on transcript NM_207391.3 (MANE Select); coding-DNA position 649, T replaced by C.
Protein change: p.Phe217Leu; replaces phenylalanine 217 with leucine.
Molecular consequence: missense variant.
Genome position (GRCh38, 1-based): chr19:32,676,912, T>C. VCF-style: chr19-32676912-T-C. GRCh37 (hg19) VCF-style: chr19-33167818-T-C.
Other names: short protein forms F217L.
Identifiers: ClinVar variation 1035695 (VCV001035695.8), dbSNP rs1968018086, ClinGen allele CA405187586.

ClinVar aggregate classification (germline): Uncertain significance (1 of 4 stars; one submission).

Submission:

Labcorp Genetics (formerly Invitae), Labcorp
Classification: Uncertain significance. Last evaluated: 2023-12-21. Review status: criteria provided, single submitter. Criteria: Invitae Variant Classification Sherloc (09022015). Collection method: clinical testing. Allele origin: germline.
Comment: This sequence change replaces phenylalanine, which is neutral and non-polar, with leucine, which is neutral and non-polar, at codon 217 of the RGS9BP protein (p.Phe217Leu). This variant is not present in population databases (gnomAD no frequency). This variant has not been reported in the literature in individuals affected with RGS9BP-related conditions. ClinVar contains an entry for this variant (Variation ID: 1035695). An algorithm developed to predict the effect of missense changes on protein structure and function (PolyPhen-2) suggests that this variant is likely to be tolerated. In summary, the available evidence is currently insufficient to determine the role of this variant in disease. Therefore, it has been classified as a Variant of Uncertain Significance.